The following is an entry in ClinVar:

ClinVar aggregate classification (germline): Pathogenic (1 of 4 stars; one submission).

Conditions:
Hereditary pheochromocytoma and paraganglioma. Also called: Hereditary paragangliomas and pheochromocytomas; Hereditary Paraganglioma-Pheochromocytoma Syndromes; Hereditary pheochromocytoma-paraganglioma. Identifiers: Orphanet 29072, MedGen C4274332, MONDO:0017366.

Submission:

Labcorp Genetics (formerly Invitae), Labcorp
Classification: Pathogenic for Hereditary pheochromocytoma and paraganglioma. Last evaluated: 2024-06-17. Review status: criteria provided, single submitter. Criteria: Invitae Variant Classification Sherloc (09022015). Collection method: clinical testing. Allele origin: germline.
Comment: This sequence change creates a premature translational stop signal (p.Leu105Argfs*19) in the TMEM127 gene. While this is not anticipated to result in nonsense mediated decay, it is expected to disrupt the last 134 amino acid(s) of the TMEM127 protein. This variant is not present in population databases (gnomAD no frequency). This variant has not been reported in the literature in individuals affected with TMEM127-related conditions. This variant disrupts a region of the TMEM127 protein in which other variant(s) (p.Tyr178Leufs*4) have been determined to be pathogenic (PMID: 28855235; Invitae). This suggests that this is a clinically significant region of the protein, and that variants that disrupt it are likely to be disease-causing. For these reasons, this variant has been classified as Pathogenic.

Literature cited by the submitters: PubMed 28855235.

NM_017849.4(TMEM127):c.314del (p.Leu105fs)

Gene: TMEM127 (transmembrane protein 127; minus strand). Cytogenetic location: 2q11.2.
Variant type: Deletion.
Coding change: c.314del on transcript NM_017849.4 (MANE Select); coding-DNA position 314, one base deleted (T; older notation c.314delT).
Protein change: p.Leu105fs; shifts the reading frame from leucine 105.
Molecular consequence: frameshift variant.
Genome position (GRCh38, 1-based): chr2:96,254,928, A deleted on the plus strand (T on the coding strand, the reverse complement: TMEM127 is on the minus strand). VCF-style (leftmost placement, unchanged base first): chr2-96254927-CA-C. GRCh37 (hg19) VCF-style: chr2-96920665-CA-C.
Other names: c.314del, p.Leu105fs (NM_001193304.3); c.62del, p.Leu21fs (NM_001407282.1, NM_001407283.1); short protein forms L105fs, L21fs.
Identifiers: ClinVar variation 3656798 (VCV003656798.2).